The following is an entry in ClinVar:

NM_001151.4(SLC25A4):c.49G>A (p.Val17Ile)

Gene: SLC25A4 (solute carrier family 25 member 4; plus strand). Cytogenetic location: 4q35.1.
Variant type: single nucleotide variant.
Coding change: c.49G>A on transcript NM_001151.4 (MANE Select); coding-DNA position 49, G replaced by A.
Protein change: p.Val17Ile; replaces valine 17 with isoleucine.
Molecular consequence: missense variant.
Genome position (GRCh38, 1-based): chr4:185,143,421, G>A. VCF-style: chr4-185143421-G-A. GRCh37 (hg19) VCF-style: chr4-186064575-G-A.
Other names: short protein forms V17I.
Identifiers: ClinVar variation 1520582 (VCV001520582.9), dbSNP rs1385832490, ClinGen allele CA358895754.
Genomic context (GRCh38, chr4:185,143,421, plus strand): 5'-CGAGCTGTCACCATGGGTGATCACGCTTGGAGCTTCCTAAAGGACTTCCTGGCCGGGGGC[G>A]TCGCCGCTGCCGTCTCCAAGACCGCGGTCGCCCCCATCGAGAGGGTCAAACTGCTGCTGC-3'
Protein context (NP_001142.2, residues 7-27): SFLKDFLAGG[Val17Ile]AAAVSKTAVA

ClinVar aggregate classification (germline): Uncertain significance. Review status: criteria provided, multiple submitters, no conflicts (2 of 4 stars). 2 submissions from 2 submitters: Uncertain significance (2). Last evaluated 2024-07-21.

Allele frequency attached by ClinVar (database versions not stated): gnomAD exomes below 0.00001.

Submissions (2):

Labcorp Genetics (formerly Invitae), Labcorp
Classification: Uncertain significance. Last evaluated: 2024-07-21. Review status: criteria provided, single submitter. Criteria: Invitae Variant Classification Sherloc (09022015). Collection method: clinical testing. Allele origin: germline.
Comment: This sequence change replaces valine, which is neutral and non-polar, with isoleucine, which is neutral and non-polar, at codon 17 of the SLC25A4 protein (p.Val17Ile). This variant is not present in population databases (gnomAD no frequency). This variant has not been reported in the literature in individuals affected with SLC25A4-related conditions. ClinVar contains an entry for this variant (Variation ID: 1520582). Advanced modeling of protein sequence and biophysical properties (such as structural, functional, and spatial information, amino acid conservation, physicochemical variation, residue mobility, and thermodynamic stability) performed at Invitae indicates that this missense variant is not expected to disrupt SLC25A4 protein function with a negative predictive value of 80%. In summary, the available evidence is currently insufficient to determine the role of this variant in disease. Therefore, it has been classified as a Variant of Uncertain Significance.

Breakthrough Genomics
Classification: Uncertain significance. Review status: criteria provided, single submitter. Criteria: ACMG Guidelines, 2015. Collection method: not provided. Allele origin: germline. Inheritance: Autosomal recessive inheritance. Affected: yes.